The following is an entry in ClinVar:

ClinVar aggregate classification (germline): Benign. Review status: criteria provided, multiple submitters, no conflicts (2 of 4 stars). 10 submissions from 9 submitters: Benign (6). 4 of the submissions do not count toward it. Last evaluated 2026-02-03.

Conditions:
Autosomal recessive ataxia, Beauce type. Also called: Spinocerebellar ataxia, autosomal recessive 8; ATAXIA, RECESSIVE, OF BEAUCE; SYNE1-Related Autosomal Recessive Cerebellar Ataxia; SYNE1 Deficiency. Identifiers: Orphanet 88644, MedGen C1853116, MONDO:0012549, OMIM 610743.
Emery-Dreifuss muscular dystrophy 4, autosomal dominant (EDMD4). Also called: EMERY-DREIFUSS MUSCULAR DYSTROPHY 4 WITH VARIABLE FEATURES. Identifiers: Orphanet 261, MedGen C2751807, MONDO:0013071, OMIM 612998.

Allele frequency attached by ClinVar (database versions not stated): ESP Exome Variant Server 0.16877; gnomAD 0.19082 and 0.19500; TOPMed 0.19743; 1000 Genomes Project 0.20887; 1000 Genomes Project 30x 0.20893; ExAC 0.23745; gnomAD exomes 0.24325.
gnomAD v4.1: 346,848 of 1,611,604 alleles (22%); highest among the groups gnomAD compares: Admixed American, 42%; 40,116 homozygotes.

Submissions (10):

Labcorp Genetics (formerly Invitae), Labcorp
Classification: Benign for Emery-Dreifuss muscular dystrophy 4, autosomal dominant; Autosomal recessive ataxia, Beauce type. Last evaluated: 2026-02-03. Review status: criteria provided, single submitter. Criteria: Invitae Variant Classification Sherloc (09022015). Collection method: clinical testing. Allele origin: germline.

Blueprint Genetics
Classification: Benign. Last evaluated: 2024-11-26. Review status: criteria provided, single submitter. Criteria: ACMG Guidelines, 2015. Collection method: clinical testing. Allele origin: germline.

Illumina Laboratory Services, Illumina
Classification: Benign for Autosomal recessive ataxia, Beauce type. Last evaluated: 2018-01-13. Review status: criteria provided, single submitter. Criteria: ICSL Variant Classification Criteria 13 December 2019. Collection method: clinical testing. Allele origin: germline.
Comment: This variant was observed in the ICSL laboratory as part of a predisposition screen in an ostensibly healthy population. It had not been previously curated by ICSL or reported in the Human Gene Mutation Database (HGMD: prior to June 1st, 2018), and was therefore a candidate for classification through an automated scoring system. Utilizing variant allele frequency, disease prevalence and penetrance estimates, and inheritance mode, an automated score was calculated to assess if this variant is too frequent to cause the disease. Based on the score and internal cut-off values, a variant classified as benign is not then subjected to further curation. The score for this variant resulted in a classification of benign for this disease.

Illumina Laboratory Services, Illumina
Classification: Benign for Emery-Dreifuss muscular dystrophy 4, autosomal dominant. Last evaluated: 2018-01-13. Review status: criteria provided, single submitter. Criteria: ICSL Variant Classification Criteria 13 December 2019. Collection method: clinical testing. Allele origin: germline.
Comment: the same text as in the submission from Illumina Laboratory Services, Illumina above.

GeneDx
Classification: Benign. Last evaluated: 2016-01-25. Review status: criteria provided, single submitter. Criteria: GeneDx Variant Classification (06012015). Collection method: clinical testing. Allele origin: germline. Affected: yes.
Comment: This variant is considered likely benign or benign based on one or more of the following criteria: it is a conservative change, it occurs at a poorly conserved position in the protein, it is predicted to be benign by multiple in silico algorithms, and/or has population frequency not consistent with disease.

PreventionGenetics, part of Exact Sciences
Classification: Benign. Review status: criteria provided, single submitter. Criteria: ACMG Guidelines, 2015. Collection method: clinical testing. Allele origin: germline.

Clinical Genetics DNA and cytogenetics Diagnostics Lab, Erasmus MC, Erasmus Medical Center
Classification: Benign. Review status: no assertion criteria provided. Collection method: clinical testing. Allele origin: germline. Affected: yes. Study: VKGL Data-share Consensus. Not counted in ClinVar's aggregate classification.

Clinical Genetics, Academic Medical Center
Classification: Benign. Review status: no assertion criteria provided. Collection method: clinical testing. Allele origin: germline. Affected: yes. Study: VKGL Data-share Consensus. Not counted in ClinVar's aggregate classification.

Diagnostic Laboratory, Department of Genetics, University Medical Center Groningen
Classification: Benign. Review status: no assertion criteria provided. Collection method: clinical testing. Allele origin: germline. Affected: yes. Study: VKGL Data-share Consensus. Not counted in ClinVar's aggregate classification.

Joint Genome Diagnostic Labs from Nijmegen and Maastricht, Radboudumc and MUMC+
Classification: Benign. Review status: no assertion criteria provided. Collection method: clinical testing. Allele origin: germline. Affected: yes. Study: VKGL Data-share Consensus. Not counted in ClinVar's aggregate classification.

NM_182961.4(SYNE1):c.20530-14G>A

Gene: SYNE1 (spectrin repeat containing nuclear envelope protein 1; minus strand). Cytogenetic location: 6q25.2.
Variant type: single nucleotide variant.
Coding change: c.20530-14G>A on transcript NM_182961.4 (MANE Select); 14 bases into the intron before coding-DNA position 20530, G replaced by A.
Molecular consequence: intron variant.
Genome position (GRCh38, 1-based): chr6:152,233,977, C>T on the plus strand (G>A on the coding strand, the complement: SYNE1 is on the minus strand). VCF-style: chr6-152233977-C-T. GRCh37 (hg19) VCF-style: chr6-152555112-C-T.
Other names: c.20317-14G>A (NM_033071.5).
Identifiers: ClinVar variation 262178 (VCV000262178.23), dbSNP rs2296254, ClinGen allele CA4054401.